The following is an entry in ClinVar:

ClinVar aggregate classification (germline): Likely pathogenic (1 of 4 stars; one submission).

Submission:

GeneDx
Classification: Likely pathogenic. Last evaluated: 2017-10-27. Review status: criteria provided, single submitter. Criteria: GeneDx Variant Classification (06012015). Collection method: clinical testing. Allele origin: germline. Affected: yes.
Comment: Although the c.97865delC variant in the TTN gene has not been reported to our knowledge, this variant causes a shift in reading frame starting at codon proline 32622, changing it to a leucine, and creating a premature stop codon at position 9 of the new reading frame, denoted p.Pro32622LeufsX9. This likely pathogenic variant is expected to result in either an abnormal, truncated protein product or loss of protein from this allele through nonsense-mediated mRNA decay. The majority of truncating pathogenic variants reported in association with autosomal dominant dilated cardiomyopathy (DCM) are in the A-band region of titin, while truncating variants in the M-band, where c.97865delC occurs, are typically associated with autosomal recessive skeletal myopathy (Herman et al., 2012). The c.97865delC has not been observed in large population cohorts (Lek et al., 2016), though other truncating TTN variants have been reported in approximately 3% of control alleles (Herman et al., 2012).

NM_001267550.2(TTN):c.102788del (p.Pro34263fs)

Genes: TTN (titin; minus strand), TTN-AS1 (TTN antisense RNA 1; plus strand). Cytogenetic location: 2q31.2.
Variant type: Deletion.
Coding change: c.102788del on transcript NM_001267550.2 (MANE Select); coding-DNA position 102788, one base deleted (C; older notation c.102788delC).
Protein change: p.Pro34263fs; shifts the reading frame from proline 34263.
Molecular consequence: frameshift variant.
Genome position (GRCh38, 1-based): chr2:178,533,827, G deleted on the plus strand (C on the coding strand, the reverse complement: TTN is on the minus strand); the first of 2 consecutive G bases (chr2:178,533,827-178,533,828); deleting either gives the same sequence. VCF-style (leftmost placement, unchanged base first): chr2-178533826-AG-A. GRCh37 (hg19) VCF-style: chr2-179398553-AG-A.
Other names: c.97865del, p.Pro32622fs (NM_001256850.1); c.75593del, p.Pro25198fs (NM_003319.4); c.95084del, p.Pro31695fs (NM_133378.4); c.75968del, p.Pro25323fs (NM_133432.3); c.76169del, p.Pro25390fs (NM_133437.4); c.97865delC (NM_001256850.1); short protein forms P32622fs, P34263fs, P25323fs, P25198fs, P25390fs, P31695fs.
Identifiers: ClinVar variation 453027 (VCV000453027.2), dbSNP rs1553493639, ClinGen allele CA658657123.